The following is an entry in ClinVar:

NM_016529.6(ATP8A2):c.348_353del (p.Arg117_Tyr118del)

Gene: ATP8A2 (ATPase phospholipid transporting 8A2). Cytogenetic location: 13q12.13.
Variant type: Deletion.
Coding change: c.348_353del on transcript NM_016529.6 (MANE Select); coding-DNA positions 348 to 353, 6 bases deleted.
Protein change: p.Arg117_Tyr118del.
Molecular consequence: inframe deletion.
Genome position: GRCh38 VCF-style: chr13-25530587-GAAGATA-G. GRCh37 (hg19) VCF-style: chr13-26104725-GAAGATA-G.
Other names: c.228_233del, p.Arg77_Tyr78del (NM_001313741.1); c.348_353del, p.Arg117_Tyr118del (NM_001411005.1, NM_001411006.1).
Identifiers: ClinVar variation 5037389 (VCV005037389.1).

ClinVar aggregate classification (germline): Uncertain significance (1 of 4 stars; one submission).

Submission:

GeneDx
Classification: Uncertain significance. Last evaluated: 2026-04-23. Review status: criteria provided, single submitter. Criteria: GeneDx Variant Classification Process June 2021. Collection method: clinical testing. Allele origin: germline.
Comment: Not observed at significant frequency in large population cohorts (gnomAD); In-frame deletion of 2 amino acid(s) in a non-repeat region; In silico analysis suggests that this variant does not alter protein structure/function; Has not been previously published as pathogenic or benign to our knowledge; In silico analysis is inconclusive as to whether the variant alters gene splicing. In the absence of RNA/functional studies, the actual effect of this sequence change is unknown.